The following is an entry in ClinVar:

NM_000264.5(PTCH1):c.1863_1864del (p.Arg621fs)

Genes: PTCH1 (patched 1; minus strand), LOC100507346 (uncharacterized LOC100507346; plus strand). Cytogenetic location: 9q22.32.
Variant type: Microsatellite.
Coding change: c.1863_1864del on transcript NM_000264.5 (MANE Select); coding-DNA positions 1863 to 1864, 2 bases deleted (AG; older notation c.1863_1864delAG).
Protein change: p.Arg621fs; shifts the reading frame from arginine 621.
Molecular consequence: frameshift variant. On other transcripts: non-coding transcript variant (2).
Genome position (GRCh38, 1-based): chr9:95,469,137-95,469,138, CT deleted on the plus strand (AG on the coding strand, the reverse complement: PTCH1 is on the minus strand); deleting any 2 consecutive bases within chr9:95,469,137-95,469,140 gives the same sequence; the c. name uses the placement nearest the transcript's 3' end. VCF-style (leftmost placement, unchanged base first): chr9-95469136-ACT-A. GRCh37 (hg19) VCF-style: chr9-98231418-ACT-A.
Other names: c.1863_1864del (NM_000264.3); c.1665_1666del, p.Arg555fs (NM_001083602.3); c.1860_1861del, p.Arg620fs (NM_001083603.3); c.1410_1411del, p.Arg470fs (NM_001083604.3, NM_001083605.3, NM_001083606.3 and 1 more transcripts); c.1707_1708del, p.Arg569fs (NM_001354918.2); short protein forms R470fs, R621fs, R569fs, R620fs, R555fs.
Identifiers: ClinVar variation 1404479 (VCV001404479.7), dbSNP rs2118060990, ClinGen allele CA645567461.
Genomic context (GRCh38, chr9:95,469,136, plus strand): 5'-GGGGGGCTGTAGCGGGTATTGTCGTGTGTGTCGGTGTAGGCCTGAGGTTCAACCTGAATC[ACT>A]CTGCTGACGCAGGGGCTGAAAGGAGGGGAAACATGTTGCAATGTTATGCTGAAACAGGGA-3'

ClinVar aggregate classification (germline): Pathogenic. Review status: criteria provided, multiple submitters, no conflicts (2 of 4 stars). 2 submissions from 2 submitters: Pathogenic (2). Last evaluated 2025-12-02.

Conditions:
Gorlin syndrome. Also called: Nevoid Basal Cell Carcinoma Syndrome; Basal cell nevus syndrome. Identifiers: Orphanet 377, MedGen C0004779, MONDO:0007187.

Submissions (2):

Labcorp Genetics (formerly Invitae), Labcorp
Classification: Pathogenic for Gorlin syndrome. Last evaluated: 2025-12-02. Review status: criteria provided, single submitter. Criteria: Invitae Variant Classification Sherloc (09022015). Collection method: clinical testing. Allele origin: germline.
Comment: This sequence change creates a premature translational stop signal (p.Arg621Serfs*5) in the PTCH1 gene. It is expected to result in an absent or disrupted protein product. Loss-of-function variants in PTCH1 are known to be pathogenic (PMID: 16301862, 16419085). This variant is not present in population databases (gnomAD no frequency). This variant has not been reported in the literature in individuals affected with PTCH1-related conditions. For these reasons, this variant has been classified as Pathogenic.

GeneDx
Classification: Pathogenic. Last evaluated: 2025-06-05. Review status: criteria provided, single submitter. Criteria: GeneDx Variant Classification Process June 2021. Collection method: clinical testing. Allele origin: germline. Affected: yes.
Comment: Frameshift variant predicted to result in protein truncation or nonsense mediated decay in a gene for which loss of function is a known mechanism of disease; Not observed at significant frequency in large population cohorts (gnomAD); Has not been previously published as pathogenic or benign to our knowledge

Literature cited by the submitters: PubMed 16301862 (cited by Labcorp Genetics (formerly Invitae), Labcorp); PubMed 16419085 (cited by Labcorp Genetics (formerly Invitae), Labcorp).